The following is an entry in ClinVar:

NM_001363118.2(SLC52A2):c.640C>G (p.Leu214Val)

Gene: SLC52A2 (solute carrier family 52 member 2; plus strand). Cytogenetic location: 8q24.3.
Variant type: single nucleotide variant.
Coding change: c.640C>G on transcript NM_001363118.2 (MANE Select); coding-DNA position 640, C replaced by G.
Protein change: p.Leu214Val; replaces leucine 214 with valine.
Molecular consequence: missense variant. On other transcripts: non-coding transcript variant (1).
Genome position (GRCh38, 1-based): chr8:144,360,132, C>G. VCF-style: chr8-144360132-C-G. GRCh37 (hg19) VCF-style: chr8-145583792-C-G.
Other names: c.640C>G, p.Leu214Val (NM_001253815.2, NM_001253816.2, NM_001363120.2 and 2 more transcripts); c.148C>G, p.Leu50Val (NM_001363122.2); short protein forms L214V, L50V.
Identifiers: ClinVar variation 941047 (VCV000941047.4), dbSNP rs1818757129, ClinGen allele CA372627564.

ClinVar aggregate classification (germline): Uncertain significance (1 of 4 stars; one submission).

Conditions:
Brown-Vialetto-van Laere syndrome 2. Also called: SPINOCEREBELLAR ATAXIA WITH BLINDNESS AND DEAFNESS 2; Riboflavin transporter deficiency type 2. Identifiers: Orphanet 572543, Orphanet 97229, MedGen C3553538, MONDO:0013867, OMIM 614707.

gnomAD v4.1: 2 of 1,612,988 alleles (0.00012%); highest among the groups gnomAD compares: Non-Finnish European, 0.00017%; no homozygotes.

Submission:

Labcorp Genetics (formerly Invitae), Labcorp
Classification: Uncertain significance for Brown-Vialetto-van Laere syndrome 2. Last evaluated: 2021-09-02. Review status: criteria provided, single submitter. Criteria: Invitae Variant Classification Sherloc (09022015). Collection method: clinical testing. Allele origin: germline.
Comment: This sequence change replaces leucine with valine at codon 214 of the SLC52A2 protein (p.Leu214Val). The leucine residue is highly conserved and there is a small physicochemical difference between leucine and valine. This variant is not present in population databases (ExAC no frequency). This variant has not been reported in the literature in individuals affected with SLC52A2-related conditions. Algorithms developed to predict the effect of missense changes on protein structure and function (SIFT, PolyPhen-2, Align-GVGD) all suggest that this variant is likely to be disruptive. In summary, the available evidence is currently insufficient to determine the role of this variant in disease. Therefore, it has been classified as a Variant of Uncertain Significance.